The following is an entry in ClinVar:

NM_006059.4(LAMC3):c.1185C>T (p.Cys395=)

Gene: LAMC3 (laminin subunit gamma 3; plus strand). Cytogenetic location: 9q34.12.
Variant type: single nucleotide variant.
Coding change: c.1185C>T on transcript NM_006059.4 (MANE Select); coding-DNA position 1185, C replaced by T.
Protein change: p.Cys395=; no amino-acid change (cysteine 395 retained).
Molecular consequence: synonymous variant.
Genome position (GRCh38, 1-based): chr9:131,039,150, C>T. VCF-style: chr9-131039150-C-T. GRCh37 (hg19) VCF-style: chr9-133914537-C-T.
Identifiers: ClinVar variation 1032400 (VCV001032400.11), dbSNP rs186634083, ClinGen allele CA5286982.

ClinVar aggregate classification (germline): Conflicting classifications of pathogenicity. Review status: criteria provided, conflicting classifications (1 of 4 stars). 4 submissions from 4 submitters: Uncertain significance (1); Benign (1); Likely benign (2). Last evaluated 2025-12-13.

Conditions:
Occipital pachygyria and polymicrogyria. Identifiers: Orphanet 280640, MedGen C3279875, MONDO:0013583, OMIM 614115.
LAMC3-related disorder. Also called: LAMC3-related condition.

Allele frequency attached by ClinVar (database versions not stated): ESP Exome Variant Server 0.00008; gnomAD exomes 0.00012 and 0.00047; gnomAD 0.00018 and 0.00021; TOPMed 0.00034; ExAC 0.00051; 1000 Genomes Project 0.00060; 1000 Genomes Project 30x 0.00062.
gnomAD v4.1: 212 of 1,611,324 alleles (0.013%); highest among the groups gnomAD compares: East Asian, 0.23%; no homozygotes.

Submissions (4):

Labcorp Genetics (formerly Invitae), Labcorp
Classification: Benign. Last evaluated: 2025-12-13. Review status: criteria provided, single submitter. Criteria: Invitae Variant Classification Sherloc (09022015). Collection method: clinical testing. Allele origin: germline.

PreventionGenetics, part of Exact Sciences
Classification: Likely benign for LAMC3-related condition. Last evaluated: 2025-09-23. Review status: criteria provided, single submitter. Criteria: ACMG Guidelines, 2015. Collection method: clinical testing. Allele origin: germline.
Comment: This variant is classified as likely benign based on ACMG/AMP sequence variant interpretation guidelines (Richards et al. 2015 PMID: 25741868, with internal and published modifications).

Blueprint Genetics
Classification: Likely benign. Last evaluated: 2024-06-17. Review status: criteria provided, single submitter. Criteria: ACMG Guidelines, 2015. Collection method: clinical testing. Allele origin: germline.

Baylor Genetics
Classification: Uncertain significance for Occipital pachygyria and polymicrogyria. Last evaluated: 2018-01-29. Review status: criteria provided, single submitter. Criteria: ACMG Guidelines, 2015. Collection method: clinical testing. Allele origin: maternal. Affected: yes.
Comment: This variant was determined to be of uncertain significance according to ACMG Guidelines, 2015 [PMID:25741868].